The following is an entry in ClinVar:

ClinVar aggregate classification (germline): Uncertain significance (1 of 4 stars; one submission).

gnomAD v4.1: 7 of 1,611,314 alleles (0.00043%); highest among the groups gnomAD compares: Non-Finnish European, 0.00051%; no homozygotes.

Submission:

Women's Health and Genetics/Laboratory Corporation of America, LabCorp
Classification: Uncertain significance. Last evaluated: 2024-09-10. Review status: criteria provided, single submitter. Criteria: LabCorp Variant Classification Summary - May 2015. Collection method: clinical testing. Allele origin: germline.
Comment: Variant summary: LAMA1 c.2293A>G (p.Thr765Ala) results in a non-conservative amino acid change located in the EGF-like domain (IPR000742) of the encoded protein sequence. Four of five in-silico tools predict a benign effect of the variant on protein function. The variant was absent in 244126 control chromosomes. The available data on variant occurrences in the general population are insufficient to allow any conclusion about variant significance. c.2293A>G has been reported in the literature in at least one individual affected with clincial features of LAMA1-related conditions (eg. Weisschuh_2024). However, these report(s) do not provide unequivocal conclusions about association of the variant with Ataxia-Intellectual Disability-Oculomotor Apraxia-Cerebellar Cysts Syndrome. To our knowledge, no experimental evidence demonstrating an impact on protein function has been reported. The following publication has been ascertained in the context of this evaluation (PMID: 37734845). No submitters have cited clinical-significance assessments for this variant to ClinVar. Based on the evidence outlined above, the variant was classified as uncertain significance.

Literature cited by the submitters: PubMed 37734845.

NM_005559.4(LAMA1):c.2293A>G (p.Thr765Ala)

Gene: LAMA1 (laminin subunit alpha 1; minus strand). Cytogenetic location: 18p11.31.
Variant type: single nucleotide variant.
Coding change: c.2293A>G on transcript NM_005559.4 (MANE Select); coding-DNA position 2293, A replaced by G.
Protein change: p.Thr765Ala; replaces threonine 765 with alanine.
Molecular consequence: missense variant.
Genome position (GRCh38, 1-based): chr18:7,026,088, T>C on the plus strand (A>G on the coding strand, the complement: LAMA1 is on the minus strand). VCF-style: chr18-7026088-T-C. GRCh37 (hg19) VCF-style: chr18-7026087-T-C.
Other names: short protein forms T765A.
Identifiers: ClinVar variation 3374912 (VCV003374912.1).
Genomic context (GRCh38, chr18:7,026,088, plus strand): 5'-GTGTCCCTCGGGAAGGCTCCCCGTAGAAGCCGGGCAAGCACTGCTCACAGTGGACGCCGG[T>C]GGTGTTGTGCGCACACGCCTAGGAACATGCACCAGAAGAATCAGCTCAGGTTGTCTTAAA-3'
Protein context (NP_005550.2, residues 755-775): GVCIACAHNT[Thr765Ala]GVHCEQCLPG